The following is an entry in ClinVar:

ClinVar aggregate classification (germline): Uncertain significance. Review status: criteria provided, multiple submitters, no conflicts (2 of 4 stars). 2 submissions from 2 submitters: Uncertain significance (2). Last evaluated 2026-06-27.

Conditions:
MEGF8-related disorder. Also called: MEGF8-related condition.
Inborn genetic diseases. Identifiers: MedGen C0950123, MeSH D030342.

Allele frequency attached by ClinVar (database versions not stated): gnomAD exomes 0.00001; gnomAD 0.00002; TOPMed 0.00005.
gnomAD v4.1: 8 of 1,581,022 alleles (0.00051%); highest among the groups gnomAD compares: Admixed American, 0.011%; no homozygotes.

Submissions (2):

PreventionGenetics, part of Exact Sciences
Classification: Uncertain significance for MEGF8-related condition. Last evaluated: 2026-06-27. Review status: criteria provided, single submitter. Criteria: ACMG Guidelines, 2015. Collection method: clinical testing. Allele origin: germline.
Comment: The MEGF8 c.2882A>G variant is predicted to result in the amino acid substitution p.Asp961Gly. To our knowledge, this variant has not been reported in the literature. This variant has been reported in one heterozygous individuals within the ‘other’ subpopulation in gnomAD. At this time, the clinical significance of this variant is uncertain due to the absence of conclusive functional and genetic evidence.

Ambry Genetics
Classification: Uncertain significance for Inborn genetic diseases. Last evaluated: 2023-06-22. Review status: criteria provided, single submitter. Criteria: Ambry Variant Classification Scheme 2023. Collection method: clinical testing. Allele origin: germline.

NM_001271938.2(MEGF8):c.3083A>G (p.Asp1028Gly)

Gene: MEGF8 (multiple EGF like domains 8; plus strand). Cytogenetic location: 19q13.2.
Variant type: single nucleotide variant.
Coding change: c.3083A>G on transcript NM_001271938.2 (MANE Select); coding-DNA position 3083, A replaced by G.
Protein change: p.Asp1028Gly; replaces aspartic acid 1028 with glycine.
Molecular consequence: missense variant.
Genome position (GRCh38, 1-based): chr19:42,351,743, A>G. VCF-style: chr19-42351743-A-G. GRCh37 (hg19) VCF-style: chr19-42855895-A-G.
Other names: c.2882A>G, p.Asp961Gly (NM_001410.3); short protein forms D1028G, D961G.
Identifiers: ClinVar variation 2605806 (VCV002605806.3), dbSNP rs1218914256, ClinGen allele CA406101355.
Genomic context (GRCh38, chr19:42,351,743, plus strand): 5'-GCTTCCTGACCTGCCATGAGTGTCTGCAGAGCCACGAGTGTGGCTGGTGTGGCAATGAGG[A>G]CAACCCCACACTGGGACGGTGAGCCCGGGCAGGTGGGTGGGCAGGGTGCCCGGCTGTGTC-3'
Protein context (NP_001258867.1, residues 1018-1038): SHECGWCGNE[Asp1028Gly]NPTLGRCLQG